The following is an entry in ClinVar:

ClinVar aggregate classification (germline): Uncertain significance (1 of 4 stars; one submission).

Submission:

Labcorp Genetics (formerly Invitae), Labcorp
Classification: Uncertain significance. Last evaluated: 2025-02-10. Review status: criteria provided, single submitter. Criteria: Invitae Variant Classification Sherloc (09022015). Collection method: clinical testing. Allele origin: germline.
Comment: This sequence change falls in intron 8 of the PYROXD1 gene. It does not directly change the encoded amino acid sequence of the PYROXD1 protein. It affects a nucleotide within the consensus splice site. This variant is not present in population databases (gnomAD no frequency). This variant has not been reported in the literature in individuals affected with PYROXD1-related conditions. Variants that disrupt the consensus splice site are a relatively common cause of aberrant splicing (PMID: 17576681, 9536098). Algorithms developed to predict the effect of sequence changes on RNA splicing suggest that this variant is not likely to affect RNA splicing. In summary, the available evidence is currently insufficient to determine the role of this variant in disease. Therefore, it has been classified as a Variant of Uncertain Significance.

Literature cited by the submitters: PubMed 17576681; PubMed 9536098.

NM_024854.5(PYROXD1):c.881-3_881-2insTT

Gene: PYROXD1 (pyridine nucleotide-disulphide oxidoreductase domain 1; plus strand). Cytogenetic location: 12p12.1.
Variant type: Insertion.
Coding change: c.881-3_881-2insTT on transcript NM_024854.5 (MANE Select); 3 bases into the intron before coding-DNA position 881 through the canonical splice acceptor site of the intron before coding-DNA position 881, TT inserted.
Molecular consequence: splice acceptor variant.
Genome position: GRCh38 VCF-style: chr12-21462005-A-ATT. GRCh37 (hg19) VCF-style: chr12-21614939-A-ATT.
Other names: c.104-3_104-2insTT (NM_001350913.2); c.668-3_668-2insTT (NM_001350912.2).
Identifiers: ClinVar variation 4767730 (VCV004767730.1).